The following is an entry in ClinVar:

ClinVar aggregate classification (germline): Uncertain significance. Review status: criteria provided, multiple submitters, no conflicts (2 of 4 stars). 2 submissions from 2 submitters: Uncertain significance (2). Last evaluated 2024-07-03.

Conditions:
Colorectal cancer, hereditary nonpolyposis, type 7. Identifiers: Orphanet 144, MedGen C1858380, MONDO:0013725, OMIM 614385.

Allele frequency attached by ClinVar (database versions not stated): gnomAD exomes below 0.00001; gnomAD 0.00001.
gnomAD v4.1: 2 of 1,613,286 alleles (0.00012%); highest among the groups gnomAD compares: Admixed American, 0.0017%; no homozygotes.

Submissions (2):

Labcorp Genetics (formerly Invitae), Labcorp
Classification: Uncertain significance for Colorectal cancer, hereditary nonpolyposis, type 7. Last evaluated: 2024-07-03. Review status: criteria provided, single submitter. Criteria: Invitae Variant Classification Sherloc (09022015). Collection method: clinical testing. Allele origin: germline.
Comment: This sequence change replaces valine, which is neutral and non-polar, with isoleucine, which is neutral and non-polar, at codon 595 of the MLH3 protein (p.Val595Ile). This variant is not present in population databases (gnomAD no frequency). This variant has not been reported in the literature in individuals affected with MLH3-related conditions. ClinVar contains an entry for this variant (Variation ID: 1780047). Algorithms developed to predict the effect of missense changes on protein structure and function output the following: SIFT: "Not Available"; PolyPhen-2: "Benign"; Align-GVGD: "Not Available". The isoleucine amino acid residue is found in multiple mammalian species, which suggests that this missense change does not adversely affect protein function. In summary, the available evidence is currently insufficient to determine the role of this variant in disease. Therefore, it has been classified as a Variant of Uncertain Significance.

Ambry Genetics
Classification: Uncertain significance. Last evaluated: 2023-09-16. Review status: criteria provided, single submitter. Criteria: Ambry Variant Classification Scheme 2023. Collection method: clinical testing. Allele origin: germline.
Comment: The p.V595I variant (also known as c.1783G>A), located in coding exon 1 of the MLH3 gene, results from a G to A substitution at nucleotide position 1783. The valine at codon 595 is replaced by isoleucine, an amino acid with highly similar properties. This amino acid position is conserved. In addition, this alteration is predicted to be tolerated by in silico analysis. Since supporting evidence is limited at this time, the clinical significance of this alteration remains unclear.

NM_001040108.2(MLH3):c.1783G>A (p.Val595Ile)

Gene: MLH3 (mutL homolog 3; minus strand). Cytogenetic location: 14q24.3.
Variant type: single nucleotide variant.
Coding change: c.1783G>A on transcript NM_001040108.2 (MANE Select); coding-DNA position 1783, G replaced by A.
Protein change: p.Val595Ile; replaces valine 595 with isoleucine.
Molecular consequence: missense variant.
Genome position (GRCh38, 1-based): chr14:75,047,873, C>T on the plus strand (G>A on the coding strand, the complement: MLH3 is on the minus strand). VCF-style: chr14-75047873-C-T. GRCh37 (hg19) VCF-style: chr14-75514576-C-T.
Other names: c.1783G>A, p.Val595Ile (NM_014381.3); short protein forms V595I.
Identifiers: ClinVar variation 1780047 (VCV001780047.4), dbSNP rs939238552, ClinGen allele CA263652802.